The following is an entry in ClinVar:

ClinVar aggregate classification (germline): Conflicting classifications of pathogenicity. Review status: criteria provided, conflicting classifications (1 of 4 stars). 2 submissions from 2 submitters: Uncertain significance (1); Likely benign (1). Last evaluated 2024-10-04.

Conditions:
Intellectual developmental disorder, autosomal dominant 1. Also called: MBD5 Haploinsufficiency; Intellectual disability, autosomal dominant 1. Identifiers: Orphanet 228402, MedGen C1969562, MONDO:0007974, OMIM 156200.
Inborn genetic diseases. Identifiers: MedGen C0950123, MeSH D030342.

Allele frequency attached by ClinVar (database versions not stated): gnomAD exomes 0.00001.
gnomAD v4.1: 4 of 1,614,066 alleles (0.00025%); highest among the groups gnomAD compares: Middle Eastern, 0.049%; no homozygotes.

Submissions (2):

Ambry Genetics
Classification: Likely benign for Inborn genetic diseases. Last evaluated: 2024-10-04. Review status: criteria provided, single submitter. Criteria: Ambry Variant Classification Scheme 2023. Collection method: clinical testing. Allele origin: germline.

Labcorp Genetics (formerly Invitae), Labcorp
Classification: Uncertain significance for Intellectual developmental disorder, autosomal dominant 1. Last evaluated: 2023-09-01. Review status: criteria provided, single submitter. Criteria: Invitae Variant Classification Sherloc (09022015). Collection method: clinical testing. Allele origin: germline.
Comment: In summary, the available evidence is currently insufficient to determine the role of this variant in disease. Therefore, it has been classified as a Variant of Uncertain Significance. Advanced modeling of protein sequence and biophysical properties (such as structural, functional, and spatial information, amino acid conservation, physicochemical variation, residue mobility, and thermodynamic stability) performed at Invitae indicates that this missense variant is not expected to disrupt MBD5 protein function. This variant has not been reported in the literature in individuals affected with MBD5-related conditions. This variant is present in population databases (no rsID available, gnomAD no frequency). This sequence change replaces serine, which is neutral and polar, with arginine, which is basic and polar, at codon 1124 of the MBD5 protein (p.Ser1124Arg).

NM_001378120.1(MBD5):c.4071T>A (p.Ser1357Arg)

Gene: MBD5 (methyl-CpG binding domain protein 5; plus strand). Cytogenetic location: 2q23.1.
Variant type: single nucleotide variant.
Coding change: c.4071T>A on transcript NM_001378120.1 (MANE Select); coding-DNA position 4071, T replaced by A.
Protein change: p.Ser1357Arg; replaces serine 1357 with arginine.
Molecular consequence: missense variant.
Genome position (GRCh38, 1-based): chr2:148,489,703, T>A. VCF-style: chr2-148489703-T-A. GRCh37 (hg19) VCF-style: chr2-149247272-T-A.
Other names: c.3372T>A (NM_018328.4); c.3372T>A, p.Ser1124Arg (NM_018328.5); short protein forms S1124R, S1357R.
Identifiers: ClinVar variation 2916796 (VCV002916796.2), dbSNP rs1246420113, ClinGen allele CA348727964.